The following is an entry in ClinVar:

ClinVar aggregate classification (germline): Likely benign (1 of 4 stars; one submission).

Submission:

GeneDx
Classification: Likely benign. Last evaluated: 2018-03-09. Review status: criteria provided, single submitter. Criteria: GeneDx Variant Classification (06012015). Collection method: clinical testing. Allele origin: germline. Affected: yes.
Comment: This variant is considered likely benign or benign based on one or more of the following criteria: it is a conservative change, it occurs at a poorly conserved position in the protein, it is predicted to be benign by multiple in silico algorithms, and/or has population frequency not consistent with disease.

NM_000090.4(COL3A1):c.1149+15T>C

Gene: COL3A1 (collagen type III alpha 1 chain; plus strand). Cytogenetic location: 2q32.2.
Variant type: single nucleotide variant.
Coding change: c.1149+15T>C on transcript NM_000090.4 (MANE Select); 15 bases into the intron after coding-DNA position 1149, T replaced by C.
Molecular consequence: intron variant.
Genome position (GRCh38, 1-based): chr2:188,993,474, T>C. VCF-style: chr2-188993474-T-C. GRCh37 (hg19) VCF-style: chr2-189858200-T-C.
Identifiers: ClinVar variation 515963 (VCV000515963.1), dbSNP rs1553507809, ClinGen allele CA658796115.